The following continues an entry in ClinVar:

NM_003000.3(SDHB):c.600G>T (p.Trp200Cys)

Gene: SDHB. ClinVar aggregate classification (germline): Pathogenic/Likely pathogenic. Pathogenic (14); Likely pathogenic (2).

Submissions 9 to 17 of 17:

Laboratory for Molecular Medicine, Mass General Brigham Personalized Medicine
Classification: Likely pathogenic for Hereditary pheochromocytoma and paraganglioma. Last evaluated: 2023-08-09. Review status: criteria provided, single submitter. Criteria: ACMG Guidelines, 2015. Collection method: clinical testing. Allele origin: germline. Inheritance: Autosomal dominant inheritance.
Comment: The p.Trp200Cys variant in SDHB has been reported in over 15 individuals with paragangliomas or pheochromocytomas and segregated with disease in 1 affected relative (Timmers 2007 PMID: 17200167, Klein 2008 PMID: 18382370, Henderson 2009 PMID: 19184535, Alrashdi 2010 PMID: 20119652, Lodish 2010 PMID: 20418362, Janeway 2011 PMID: 21173220, Daniel 2016 PMID: 26173966, Andrews 2018 PMID: 29386252, Greenberg 2020 PMID: 32741965). This variant has also been reported by other clinical laboratories in ClinVar (Variation ID: 183747) and has been identified in 0.002% (1/41452) of African chromosomes by gnomAD (v.3.1). In vitro functional studies provide some evidence that this variant impacts protein stability (Yang 2012 PMID: 22835832) and computational prediction tools and conservation analysis suggest that this variant may impact the protein. Another variant involving this codon (p.Trp200Arg) has been identified in individuals with hereditary paraganglioma/pheochromocytoma syndrome (Heller 2010 PMID: 26273102) and is classified as likely pathogenic in ClinVar (variation ID: 571856). In summary, although additional studies are required to fully establish its clinical significance, this variant meets criteria to be classified as likely pathogenic for autosomal dominant hereditary paraganglioma/pheochromocytoma syndrome. ACMG/AMP Criteria applied: PS4, PM2_Supporting, PS3_Supporting, PP3.

Baylor Genetics
Classification: Pathogenic for Gastrointestinal stromal tumor. Last evaluated: 2023-05-16. Review status: criteria provided, single submitter. Criteria: ACMG Guidelines, 2015. Collection method: clinical testing. Allele origin: unknown.

All of Us Research Program, National Institutes of Health
Classification: Pathogenic for Hereditary pheochromocytoma and paraganglioma. Last evaluated: 2023-04-10. Review status: criteria provided, single submitter. Criteria: ACMG Guidelines, 2015. Collection method: clinical testing. Allele origin: germline. Inheritance: Autosomal dominant inheritance. Observed: 1 variant allele, 1 heterozygote.
Comment: This missense variant replaces tryptophan with cysteine at codon 200 of the SDHB protein. Computational prediction suggests that this variant may have deleterious impact on protein structure and function (internally defined REVEL score threshold >= 0.7, PMID: 27666373). Functional studies have shown that this variant significantly reduces SDHB protein stability (PMID: 22835832). This variant has been reported in individuals affected with paragangliomas, pheochromocytomas, gastrointestinal stromal tumors, head and neck paragangliomas, and in individuals with Carney triad syndrome (PMID: 17143317, 17200167, 18382370, 19184535, 19802898, 20119652, 32741965). This variant has not been identified in the general population by the Genome Aggregation Database (gnomAD). Based on the available evidence, this variant is classified as Pathogenic.

This study involves interpretation of variants in research participants for the purpose of population health screening. Participant phenotype was not available at the time of variant classification. Additional details can be found in publication PMID: 35346344, PMCID: PMC8962531

GeneDx
Classification: Pathogenic. Last evaluated: 2023-01-30. Review status: criteria provided, single submitter. Criteria: GeneDx Variant Classification Process June 2021. Collection method: clinical testing. Allele origin: germline. Affected: yes.
Comment: Published functional studies demonstrate a damaging effect: results in an unstable protein and impairs binding with SDHAF1 (Yang et al., 2012; Maio et al., 2016); Not observed in large population cohorts (gnomAD); In silico analysis supports that this missense variant has a deleterious effect on protein structure/function; This variant is associated with the following publications: (PMID: 17200167, 27812541, 18840642, 19286091, 18382370, 20418362, 20119652, 28374168, 19184535, 26173966, 25371406, 21173220, 19802898, 25394176, 27011036, 23282968, 17143317, 27006389, 26749241, 29386252, 28152038, 30949620, 32741965, 33087929, 34906457, 34308366, 35668420, 34703596, 28873162, 32062700, 35060925, 35441217, 34095481, Rutkowski2022[article], 22835832)

Athena Diagnostics
Classification: Pathogenic. Last evaluated: 2023-01-24. Review status: criteria provided, single submitter. Criteria: Athena Diagnostics Criteria. Collection method: clinical testing. Allele origin: unknown.
Comment: The frequency of this variant in the general population is consistent with pathogenicity. (Genome Aggregation Database (gnomAD), Cambridge, MA (URL)) This variant has been identified in multiple unrelated individuals with paraganglioma-pheochromocytoma syndrome. Assessment of experimental evidence suggests this variant results in abnormal protein function. (PMID: 22835832)

Department of Pathology and Laboratory Medicine, Sinai Health System
Classification: Pathogenic for Pheochromocytoma/paraganglioma syndrome 4; Gastrointestinal stromal tumor; Carney-Stratakis syndrome; Mitochondrial complex 2 deficiency, nuclear type 4. Last evaluated: 2022-04-26. Review status: criteria provided, single submitter. Criteria: ACMG Guidelines, 2015. Collection method: clinical testing. Allele origin: germline. Affected: yes.

Women's Health and Genetics/Laboratory Corporation of America, LabCorp
Classification: Pathogenic for Hereditary pheochromocytoma and paraganglioma. Last evaluated: 2021-03-13. Review status: criteria provided, single submitter. Criteria: LabCorp Variant Classification Summary - May 2015. Collection method: clinical testing. Allele origin: germline.
Comment: Variant summary: SDHB c.600G>T (p.Trp200Cys) results in a non-conservative amino acid change located in the 4E-4S ferredoxin type, iron-sulfur binding domain (IPR017896) of the encoded protein sequence. Five of five in-silico tools predict a damaging effect of the variant on protein function. The variant was absent in 251310 control chromosomes. c.600G>T has been reported in the literature in multiple individuals affected with Hereditary Paraganglioma-Pheochromocytoma Syndrome (example, Drucker_2006, Timmers_2007, Klein_2008, Ricketts_2010, Alrashdi_2010, Greenberg_2020) and in at-least one report of an individual with gastrointestinal stromal tumor (GIST) who lacked mutations in KIT or PDGFRA (example, Janeway_2011). These data indicate that the variant is very likely to be associated with disease. At least one publication reports experimental evidence evaluating an impact on protein function. The most pronounced variant effect results in a dramatically reduced half-life reflective of increased protein degradation (example, Yang_2012). Two clinical diagnostic laboratories have submitted clinical-significance assessments for this variant to ClinVar after 2014 without evidence for independent evaluation. All laboratories classified the variant as pathogenic. Based on the evidence outlined above, the variant was classified as pathogenic.

Department of Pediatrics, Memorial Sloan Kettering Cancer Center
Classification: Pathogenic for Pheochromocytoma/paraganglioma syndrome 4. Last evaluated: 2020-12-15. Review status: criteria provided, single submitter. Criteria: ACMG Guidelines, 2015. Collection method: research. Allele origin: germline. Affected: no.

Section on Medical Neuroendocrinolgy, National Institutes of Health
Classification: Pathogenic for Hereditary pheochromocytoma and paraganglioma. Review status: no assertion criteria provided. Collection method: research. Allele origin: germline. Affected: yes. Not counted in ClinVar's aggregate classification.

Literature cited by the submitters: PubMed 17143317 (cited by 8 submitters); PubMed 19184535 (cited by 8 submitters); PubMed 20119652 (cited by 8 submitters); PubMed 21173220 (cited by 7 submitters); PubMed 22835832 (cited by 9 submitters); PubMed 26173966 (cited by Ambry Genetics); PubMed 17200167 (cited by 7 submitters); PubMed 18382370 (cited by 7 submitters); PubMed 19802898 (cited by 4 submitters); PubMed 32741965 (cited by 6 submitters); PubMed 34095481 (cited by Color Diagnostics, LLC DBA Color Health and Athena Diagnostics); PubMed 34308366 (cited by Color Diagnostics, LLC DBA Color Health and Athena Diagnostics); PubMed 34906457 (cited by 3 submitters); PubMed 35441217 (cited by Color Diagnostics, LLC DBA Color Health and Athena Diagnostics); PubMed 29386252 (cited by Laboratory for Molecular Medicine, Mass General Brigham Personalized Medicine and Athena Diagnostics); PubMed 27634942 (cited by Laboratory for Molecular Medicine, Mass General Brigham Personalized Medicine); PubMed 20418362 (cited by Laboratory for Molecular Medicine, Mass General Brigham Personalized Medicine and Athena Diagnostics); PubMed 26273102 (cited by Laboratory for Molecular Medicine, Mass General Brigham Personalized Medicine); PubMed 23282968 (cited by Athena Diagnostics); PubMed 27011036 (cited by Athena Diagnostics); PubMed 30201732 (cited by Athena Diagnostics); PubMed 26749241 (cited by Athena Diagnostics); PubMed 18840642 (cited by Athena Diagnostics); PubMed 28873162 (cited by Department of Pediatrics, Memorial Sloan Kettering Cancer Center).